The following is an entry in ClinVar:

ClinVar aggregate classification (germline): Uncertain significance (1 of 4 stars; one submission).

Conditions:
Holoprosencephaly 11 (HPE11). Identifiers: Orphanet 2162, MedGen C3280215, MONDO:0013642, OMIM 614226.

Allele frequency attached by ClinVar (database versions not stated): ExAC 0.00001; gnomAD exomes 0.00001.
gnomAD v4.1: 12 of 1,612,790 alleles (0.00074%); highest among the groups gnomAD compares: South Asian, 0.0033%; no homozygotes.

Submission:

Labcorp Genetics (formerly Invitae), Labcorp
Classification: Uncertain significance for Holoprosencephaly 11. Last evaluated: 2022-04-17. Review status: criteria provided, single submitter. Criteria: Invitae Variant Classification Sherloc (09022015). Collection method: clinical testing. Allele origin: germline.
Comment: This variant has not been reported in the literature in individuals affected with CDON-related conditions. In summary, the available evidence is currently insufficient to determine the role of this variant in disease. Therefore, it has been classified as a Variant of Uncertain Significance. Algorithms developed to predict the effect of missense changes on protein structure and function (SIFT, PolyPhen-2, Align-GVGD) all suggest that this variant is likely to be tolerated. This variant is present in population databases (rs540592065, gnomAD 0.006%). This sequence change replaces valine, which is neutral and non-polar, with isoleucine, which is neutral and non-polar, at codon 698 of the CDON protein (p.Val698Ile).

NM_001378964.1(CDON):c.2092G>A (p.Val698Ile)

Gene: CDON (cell adhesion associated, oncogene regulated; minus strand). Cytogenetic location: 11q24.2.
Variant type: single nucleotide variant.
Coding change: c.2092G>A on transcript NM_001378964.1 (MANE Select); coding-DNA position 2092, G replaced by A.
Protein change: p.Val698Ile; replaces valine 698 with isoleucine.
Molecular consequence: missense variant.
Genome position (GRCh38, 1-based): chr11:126,001,785, C>T on the plus strand (G>A on the coding strand, the complement: CDON is on the minus strand). VCF-style: chr11-126001785-C-T. GRCh37 (hg19) VCF-style: chr11-125871680-C-T.
Other names: c.2092G>A, p.Val698Ile (NM_001243597.3, NM_016952.6); short protein forms V698I.
Identifiers: ClinVar variation 2159066 (VCV002159066.4), dbSNP rs540592065, ClinGen allele CA6351838.
Genomic context (GRCh38, chr11:126,001,785, plus strand): 5'-TGTGCCTAGAGGAATCTGTAAGTACCACTCCAAAATTGTTGTTTGCAGCCTCTGAAACAA[C>T]GGGATACTTAGGGATGCCCACGGGTGGAGAGGATGCCTGGGTGTTTTTTGATGACGCTGT-3'
Protein context (NP_001365893.1, residues 688-708): SPPVGIPKYP[Val698Ile]VSEAANNNFG